The following is an entry in ClinVar:

NM_006393.3(NEBL):c.120A>G (p.Glu40=)

Gene: NEBL (nebulette; minus strand). Cytogenetic location: 10p12.31.
Variant type: single nucleotide variant.
Coding change: c.120A>G on transcript NM_006393.3 (MANE Select); coding-DNA position 120, A replaced by G.
Protein change: p.Glu40=; no amino-acid change (glutamic acid 40 retained).
Molecular consequence: synonymous variant. On other transcripts: intron variant (9).
Genome position (GRCh38, 1-based): chr10:20,896,991, T>C on the plus strand (A>G on the coding strand, the complement: NEBL is on the minus strand). VCF-style: chr10-20896991-T-C. GRCh37 (hg19) VCF-style: chr10-21185920-T-C.
Other names: c.249+64681A>G (NM_001377326.1, NM_001377327.1, NM_001377328.1); c.357+64681A>G (NM_213569.2, NM_001173484.2, NM_001377322.1); c.300+64681A>G (NM_001377324.1); c.291+64681A>G (NM_001377325.1); c.309+64681A>G (NM_001377323.1).
Identifiers: ClinVar variation 45478 (VCV000045478.21), dbSNP rs397517203, ClinGen allele CA136396.
Genomic context (GRCh38, chr10:20,896,991, plus strand): 5'-AAGACAAAAATTACTCCAGCCACTTACATCGCTAATGAGTTCCGTGCATTTTCTGGCCAA[T>C]TCCATGCTTAAGTCTTCAATAACAGGCTTATAGAAGACCTATTTGAAAAAAAAGAAAAGA-3'
Protein context (NP_006384.1, residues 30-50): YKPVIEDLSM[Glu40=]LARKCTELIS

ClinVar aggregate classification (germline): Benign/Likely benign. Review status: criteria provided, multiple submitters, no conflicts (2 of 4 stars). 6 submissions from 6 submitters: Benign (3); Likely benign (2). 1 of the submissions does not count toward it. Last evaluated 2025-12-15.

Conditions:
NEBL-related disorder. Also called: NEBL-related condition.
Primary dilated cardiomyopathy (DCM). Also called: Dilated Cardiomyopathy. Identifiers: Orphanet 217604, MedGen C0007193, MeSH D002311, MONDO:0005021, HP:0001644. Inheritance: Various modes of inheritance.

Allele frequency attached by ClinVar (database versions not stated): gnomAD 0.00009; gnomAD exomes 0.00017 and 0.00088; TOPMed 0.00040; ExAC 0.00078.
gnomAD v4.1: 257 of 1,613,974 alleles (0.016%); highest among the groups gnomAD compares: Admixed American, 0.43%; 4 homozygotes.

Submissions (6):

Labcorp Genetics (formerly Invitae), Labcorp
Classification: Benign for Primary dilated cardiomyopathy. Last evaluated: 2025-12-15. Review status: criteria provided, single submitter. Criteria: Invitae Variant Classification Sherloc (09022015). Collection method: clinical testing. Allele origin: germline.

Women's Health and Genetics/Laboratory Corporation of America, LabCorp
Classification: Benign. Last evaluated: 2023-08-19. Review status: criteria provided, single submitter. Criteria: LabCorp Variant Classification Summary - May 2015. Collection method: clinical testing. Allele origin: germline.

Ambry Genetics
Classification: Likely benign. Last evaluated: 2022-06-12. Review status: criteria provided, single submitter. Criteria: Ambry Variant Classification Scheme 2023. Collection method: clinical testing. Allele origin: germline.

GeneDx
Classification: Benign. Last evaluated: 2015-09-24. Review status: criteria provided, single submitter. Criteria: GeneDx Variant Classification (06012015). Collection method: clinical testing. Allele origin: germline. Affected: yes.
Comment: This variant is considered likely benign or benign based on one or more of the following criteria: it is a conservative change, it occurs at a poorly conserved position in the protein, it is predicted to be benign by multiple in silico algorithms, and/or has population frequency not consistent with disease.

Laboratory for Molecular Medicine, Mass General Brigham Personalized Medicine
Classification: Likely benign. Last evaluated: 2012-09-24. Review status: criteria provided, single submitter. Criteria: LMM Criteria. Collection method: clinical testing. Allele origin: germline. Observed: 1 variant allele.
Comment: Glu40Glu in exon 2 of NEBL: This variant is not expected to have clinical signif icance because it does not alter an amino acid residue and is not located within the splice consensus sequence. Glu40Glu in exon 2 of NEBL (allele frequency = n/a)

PreventionGenetics, part of Exact Sciences
Classification: Likely benign for NEBL-related condition. Last evaluated: 2019-10-28. Review status: no assertion criteria provided. Collection method: clinical testing. Allele origin: germline. Not counted in ClinVar's aggregate classification.
Comment: This variant is classified as likely benign based on ACMG/AMP sequence variant interpretation guidelines (Richards et al. 2015 PMID: 25741868, with internal and published modifications).